The following is an entry in ClinVar:

ClinVar aggregate classification (germline): Uncertain significance. Review status: criteria provided, multiple submitters, no conflicts (2 of 4 stars). 3 submissions from 3 submitters: Uncertain significance (3). Last evaluated 2025-09-05.

Conditions:
Wilms tumor 1 (WT1). Also called: Wilms tumor, somatic. Identifiers: Orphanet 654, MedGen CN033288, MONDO:0008679, OMIM 194070.

Allele frequency attached by ClinVar (database versions not stated): gnomAD exomes below 0.00001 and 0.00001; TOPMed below 0.00001; gnomAD 0.00001.
gnomAD v4.1: 3 of 1,197,060 alleles (0.00025%); highest among the groups gnomAD compares: Non-Finnish European, 0.00034%; no homozygotes.

Submissions (3):

Labcorp Genetics (formerly Invitae), Labcorp
Classification: Uncertain significance for Wilms tumor 1. Last evaluated: 2025-09-05. Review status: criteria provided, single submitter. Criteria: Invitae Variant Classification Sherloc (09022015). Collection method: clinical testing. Allele origin: germline.
Comment: This sequence change replaces lysine, which is basic and polar, with arginine, which is basic and polar, at codon 123 of the GPC3 protein (p.Lys123Arg). The frequency data for this variant in the population databases is considered unreliable, as metrics indicate poor data quality at this position in the gnomAD database. This variant has not been reported in the literature in individuals affected with GPC3-related conditions. ClinVar contains an entry for this variant (Variation ID: 961448). Invitae Evidence Modeling of protein sequence and biophysical properties (such as structural, functional, and spatial information, amino acid conservation, physicochemical variation, residue mobility, and thermodynamic stability) indicates that this missense variant is not expected to disrupt GPC3 protein function with a negative predictive value of 80%. In summary, the available evidence is currently insufficient to determine the role of this variant in disease. Therefore, it has been classified as a Variant of Uncertain Significance.

CeGaT Center for Human Genetics Tuebingen
Classification: Uncertain significance. Last evaluated: 2025-08-01. Review status: criteria provided, single submitter. Criteria: CeGaT Center For Human Genetics Tuebingen Variant Classification Criteria Version 2. Collection method: clinical testing. Allele origin: germline. Affected: yes. Observed: 1 variant allele.

Blueprint Genetics
Classification: Uncertain significance. Last evaluated: 2021-05-18. Review status: criteria provided, single submitter. Criteria: ACMG Guidelines, 2015. Collection method: clinical testing. Allele origin: germline.

NM_004484.4(GPC3):c.368A>G (p.Lys123Arg)

Gene: GPC3 (glypican 3; minus strand). Cytogenetic location: Xq26.2.
Variant type: single nucleotide variant.
Coding change: c.368A>G on transcript NM_004484.4 (MANE Select); coding-DNA position 368, A replaced by G.
Protein change: p.Lys123Arg; replaces lysine 123 with arginine.
Molecular consequence: missense variant.
Genome position (GRCh38, 1-based): chrX:133,754,146, T>C on the plus strand (A>G on the coding strand, the complement: GPC3 is on the minus strand). VCF-style: chrX-133754146-T-C. GRCh37 (hg19) VCF-style: chrX-132888173-T-C.
Other names: c.368A>G, p.Lys123Arg (NM_001164617.2); c.320A>G, p.Lys107Arg (NM_001164618.2); c.206A>G, p.Lys69Arg (NM_001164619.2); short protein forms K107R, K123R, K69R.
Identifiers: ClinVar variation 961448 (VCV000961448.19), dbSNP rs1490064135, ClinGen allele CA414706798.